The following is an entry in ClinVar:

ClinVar aggregate classification (germline): Uncertain significance (1 of 4 stars; one submission).

Conditions:
Cardiovascular phenotype. Identifiers: MedGen CN230736.

Allele frequency attached by ClinVar (database versions not stated): gnomAD 0.00001; TOPMed 0.00001.
gnomAD v4.1: 7 of 1,550,112 alleles (0.00045%); highest among the groups gnomAD compares: Non-Finnish European, 0.00061%; no homozygotes.

Submission:

Ambry Genetics
Classification: Uncertain significance for Cardiovascular phenotype. Last evaluated: 2024-05-30. Review status: criteria provided, single submitter. Criteria: Ambry Variant Classification Scheme 2023. Collection method: clinical testing. Allele origin: germline.
Comment: The p.P3743A variant (also known as c.11227C>G), located in coding exon 2 of the ZNF469 gene, results from a C to G substitution at nucleotide position 11227. The proline at codon 3743 is replaced by alanine, an amino acid with highly similar properties. This amino acid position is conserved. In addition, this alteration is predicted to be tolerated by in silico analysis. Based on the available evidence, the clinical significance of this variant remains unclear.

NM_001367624.2(ZNF469):c.11311C>G (p.Pro3771Ala)

Gene: ZNF469 (zinc finger protein 469; plus strand). Cytogenetic location: 16q24.2.
Variant type: single nucleotide variant.
Coding change: c.11311C>G on transcript NM_001367624.2 (MANE Select); coding-DNA position 11311, C replaced by G.
Protein change: p.Pro3771Ala; replaces proline 3771 with alanine.
Molecular consequence: missense variant.
Genome position (GRCh38, 1-based): chr16:88,438,781, C>G. VCF-style: chr16-88438781-C-G. GRCh37 (hg19) VCF-style: chr16-88505189-C-G.
Other names: NM_001127464.1:c.11227C>G; short protein forms P3771A.
Identifiers: ClinVar variation 2329895 (VCV002329895.3), dbSNP rs1463561150, ClinGen allele CA397129700.